The following is an entry in ClinVar:

NM_024642.5(GALNT12):c.1087C>G (p.His363Asp)

Gene: GALNT12 (polypeptide N-acetylgalactosaminyltransferase 12; plus strand). Cytogenetic location: 9q22.33.
Variant type: single nucleotide variant.
Coding change: c.1087C>G on transcript NM_024642.5 (MANE Select); coding-DNA position 1087, C replaced by G.
Protein change: p.His363Asp; replaces histidine 363 with aspartic acid.
Molecular consequence: missense variant.
Genome position (GRCh38, 1-based): chr9:98,837,023, C>G. VCF-style: chr9-98837023-C-G. GRCh37 (hg19) VCF-style: chr9-101599305-C-G.
Other names: short protein forms H363D.
Identifiers: ClinVar variation 822097 (VCV000822097.8), dbSNP rs369793331, ClinGen allele CA5154170.

ClinVar aggregate classification (germline): Uncertain significance. Review status: criteria provided, multiple submitters, no conflicts (2 of 4 stars). 2 submissions from 2 submitters: Uncertain significance (2). Last evaluated 2025-02-01.

Allele frequency attached by ClinVar (database versions not stated): ExAC 0.00001; TOPMed 0.00001.
gnomAD v4.1: 1 of 1,614,184 alleles (0.000062%); highest among the groups gnomAD compares: Non-Finnish European, 0.000085%; no homozygotes.

Submissions (2):

Ambry Genetics
Classification: Uncertain significance. Last evaluated: 2025-02-01. Review status: criteria provided, single submitter. Criteria: Ambry Variant Classification Scheme 2023. Collection method: clinical testing. Allele origin: germline.
Comment: The p.H363D variant (also known as c.1087C>G), located in coding exon 6 of the GALNT12 gene, results from a C to G substitution at nucleotide position 1087. The histidine at codon 363 is replaced by aspartic acid, an amino acid with similar properties. This amino acid position is highly conserved in available vertebrate species. In addition, this alteration is predicted to be deleterious by in silico analysis. Since supporting evidence is limited at this time, the clinical significance of this alteration remains unclear.

Labcorp Genetics (formerly Invitae), Labcorp
Classification: Uncertain significance. Last evaluated: 2024-03-02. Review status: criteria provided, single submitter. Criteria: Invitae Variant Classification Sherloc (09022015). Collection method: clinical testing. Allele origin: germline.
Comment: This sequence change replaces histidine, which is basic and polar, with aspartic acid, which is acidic and polar, at codon 363 of the GALNT12 protein (p.His363Asp). This variant is present in population databases (rs369793331, gnomAD 0.0009%). This variant has not been reported in the literature in individuals affected with GALNT12-related conditions. ClinVar contains an entry for this variant (Variation ID: 822097). Advanced modeling of protein sequence and biophysical properties (such as structural, functional, and spatial information, amino acid conservation, physicochemical variation, residue mobility, and thermodynamic stability) performed at Invitae indicates that this missense variant is expected to disrupt GALNT12 protein function with a positive predictive value of 80%. In summary, the available evidence is currently insufficient to determine the role of this variant in disease. Therefore, it has been classified as a Variant of Uncertain Significance.